The following is an entry in ClinVar:

NM_006231.4(POLE):c.4296G>A (p.Pro1432=)

Gene: POLE (DNA polymerase epsilon, catalytic subunit; minus strand). Cytogenetic location: 12q24.33.
Variant type: single nucleotide variant.
Coding change: c.4296G>A on transcript NM_006231.4 (MANE Select); coding-DNA position 4296, G replaced by A.
Protein change: p.Pro1432=; no amino-acid change (proline 1432 retained).
Molecular consequence: synonymous variant.
Genome position (GRCh38, 1-based): chr12:132,643,555, C>T on the plus strand (G>A on the coding strand, the complement: POLE is on the minus strand). VCF-style: chr12-132643555-C-T. GRCh37 (hg19) VCF-style: chr12-133220141-C-T.
Identifiers: ClinVar variation 391070 (VCV000391070.20), dbSNP rs777949353, ClinGen allele CA6892889.
Genomic context (GRCh38, chr12:132,643,555, plus strand): 5'-CACCAGCTGTTTATTGACCACACACACACAGCCCAGGTGCACCAGGGCCCGGAACAGTAA[C>T]GGAACCTGGAAGAATCGGGCAGACAGGCCGGCAAGGGCTGGATGGTGGGGGCTCTGGCTG-3'
Protein context (NP_006222.2, residues 1422-1442): DIEGVYETQV[Pro1432=]LLFRALVHLG

ClinVar aggregate classification (germline): Likely benign. Review status: criteria provided, multiple submitters, no conflicts (2 of 4 stars). 5 submissions from 5 submitters: Likely benign (5). Last evaluated 2026-01-26.

Conditions:
POLE-related disorder. Also called: POLE-related disorders; POLE-related condition.
Hereditary cancer-predisposing syndrome. Also called: Neoplastic Syndromes, Hereditary; Tumor predisposition; Hereditary Cancer Syndrome; Hereditary neoplastic syndrome. Identifiers: Orphanet 140162, MedGen C0027672, MeSH D009386, MONDO:0015356.

Allele frequency attached by ClinVar (database versions not stated): gnomAD exomes 0.00001; ExAC 0.00002; gnomAD 0.00003; TOPMed 0.00003.
gnomAD v4.1: 7 of 1,613,972 alleles (0.00043%); highest among the groups gnomAD compares: Admixed American, 0.0067%; no homozygotes.

Submissions (5):

Labcorp Genetics (formerly Invitae), Labcorp
Classification: Likely benign. Last evaluated: 2026-01-26. Review status: criteria provided, single submitter. Criteria: Invitae Variant Classification Sherloc (09022015). Collection method: clinical testing. Allele origin: germline.

PreventionGenetics, part of Exact Sciences
Classification: Likely benign for POLE-related condition. Last evaluated: 2025-02-22. Review status: criteria provided, single submitter. Criteria: ACMG Guidelines, 2015. Collection method: clinical testing. Allele origin: germline.
Comment: This variant is classified as likely benign based on ACMG/AMP sequence variant interpretation guidelines (Richards et al. 2015 PMID: 25741868, with internal and published modifications).

GeneDx
Classification: Likely benign. Last evaluated: 2021-01-06. Review status: criteria provided, single submitter. Criteria: GeneDx Variant Classification Process June 2021. Collection method: clinical testing. Allele origin: germline. Affected: yes.

Quest Diagnostics Nichols Institute San Juan Capistrano
Classification: Likely benign. Last evaluated: 2019-02-25. Review status: criteria provided, single submitter. Criteria: Quest Diagnostics criteria. Collection method: clinical testing. Allele origin: germline.

Ambry Genetics
Classification: Likely benign for Hereditary cancer-predisposing syndrome. Last evaluated: 2016-09-23. Review status: criteria provided, single submitter. Criteria: Ambry Variant Classification Scheme 2023. Collection method: clinical testing. Allele origin: germline.